The following is an entry in ClinVar:

ClinVar aggregate classification (germline): Uncertain significance (1 of 4 stars; one submission).

Conditions:
Emery-Dreifuss muscular dystrophy 5, autosomal dominant (EDMD5). Also called: EMERY-DREIFUSS MUSCULAR DYSTROPHY 5. Identifiers: Orphanet 261, MedGen C2751805, MONDO:0013072, OMIM 612999.

gnomAD v4.1: 8 of 1,614,088 alleles (0.0005%); highest among the groups gnomAD compares: East Asian, 0.018%; no homozygotes.

Submission:

Labcorp Genetics (formerly Invitae), Labcorp
Classification: Uncertain significance for Emery-Dreifuss muscular dystrophy 5, autosomal dominant. Last evaluated: 2025-01-23. Review status: criteria provided, single submitter. Criteria: Invitae Variant Classification Sherloc (09022015). Collection method: clinical testing. Allele origin: germline.
Comment: This sequence change replaces alanine, which is neutral and non-polar, with threonine, which is neutral and polar, at codon 1033 of the SYNE2 protein (p.Ala1033Thr). This variant is present in population databases (rs770646157, gnomAD 0.03%). This missense change has been observed in individual(s) with arrhythmia (PMID: 32508047). An algorithm developed to predict the effect of missense changes on protein structure and function (PolyPhen-2) suggests that this variant is likely to be disruptive. In summary, the available evidence is currently insufficient to determine the role of this variant in disease. Therefore, it has been classified as a Variant of Uncertain Significance.

Literature cited by the submitters: PubMed 32508047.

NM_182914.3(SYNE2):c.3097G>A (p.Ala1033Thr)

Gene: SYNE2 (spectrin repeat containing nuclear envelope protein 2; plus strand). Cytogenetic location: 14q23.2.
Variant type: single nucleotide variant.
Coding change: c.3097G>A on transcript NM_182914.3 (MANE Select); coding-DNA position 3097, G replaced by A.
Protein change: p.Ala1033Thr; replaces alanine 1033 with threonine.
Molecular consequence: missense variant.
Genome position (GRCh38, 1-based): chr14:63,997,103, G>A. VCF-style: chr14-63997103-G-A. GRCh37 (hg19) VCF-style: chr14-64463821-G-A.
Other names: c.3097G>A, p.Ala1033Thr (NM_015180.6); short protein forms A1033T.
Identifiers: ClinVar variation 3636218 (VCV003636218.2).